The following is an entry in ClinVar:

ClinVar aggregate classification (germline): Conflicting classifications of pathogenicity. Review status: criteria provided, conflicting classifications (1 of 4 stars). 6 submissions from 5 submitters: Uncertain significance (5); Benign (1). Last evaluated 2026-01-07.

Conditions:
Inborn genetic diseases. Identifiers: MedGen C0950123, MeSH D030342.
Spinocerebellar ataxia, autosomal recessive, with axonal neuropathy 2 (SCAN2). Also called: Ataxia-ocular apraxia-2; Ataxia with Oculomotor Apraxia; Ataxia with Oculomotor Apraxia Type 2; ATAXIA-OCULOMOTOR APRAXIA 2. Identifiers: Orphanet 64753, MedGen C1853761, MONDO:0018996, OMIM 606002.
Amyotrophic lateral sclerosis type 4 (ALS4). Also called: NEURONOPATHY, DISTAL HEREDITARY MOTOR, WITH PYRAMIDAL FEATURES; AMYOTROPHIC LATERAL SCLEROSIS 4, JUVENILE. Identifiers: Orphanet 357043, MedGen C1865409, MONDO:0011223, OMIM 602433.

Allele frequency attached by ClinVar (database versions not stated): ExAC 0.00002; gnomAD exomes 0.00002; gnomAD 0.00003 and 0.00004; TOPMed 0.00003; ESP Exome Variant Server 0.00008.
gnomAD v4.1: 13 of 1,614,050 alleles (0.00081%); highest among the groups gnomAD compares: African/African-American, 0.011%; no homozygotes.

Submissions (6):

Labcorp Genetics (formerly Invitae), Labcorp
Classification: Benign for Amyotrophic lateral sclerosis type 4; Spinocerebellar ataxia, autosomal recessive, with axonal neuropathy 2. Last evaluated: 2026-01-07. Review status: criteria provided, single submitter. Criteria: Invitae Variant Classification Sherloc (09022015). Collection method: clinical testing. Allele origin: germline.

Ambry Genetics
Classification: Uncertain significance for Inborn genetic diseases. Last evaluated: 2025-08-05. Review status: criteria provided, single submitter. Criteria: Ambry Variant Classification Scheme 2023. Collection method: clinical testing. Allele origin: germline.
Comment: Unlikely to be causative of SETX-related juvenile amyotrophic lateral sclerosis (AD) Based on insufficient or conflicting evidence, the clinical significance of this alteration remains unclear.

Athena Diagnostics
Classification: Uncertain significance. Last evaluated: 2025-02-07. Review status: criteria provided, single submitter. Criteria: Athena Diagnostics Criteria. Collection method: clinical testing. Allele origin: unknown.
Comment: Available data are insufficient to determine the clinical significance of the variant at this time. The frequency of this variant in the general population is uninformative in assessment of its pathogenicity. Polyphen and MutationTaster predict this amino acid change may be benign.

Genome-Nilou Lab
Classification: Uncertain significance for Spinocerebellar ataxia, autosomal recessive, with axonal neuropathy 2. Last evaluated: 2023-02-08. Review status: criteria provided, single submitter. Criteria: ACMG Guidelines, 2015. Collection method: clinical testing. Allele origin: germline.

Genome-Nilou Lab
Classification: Uncertain significance for Amyotrophic lateral sclerosis type 4. Last evaluated: 2023-02-08. Review status: criteria provided, single submitter. Criteria: ACMG Guidelines, 2015. Collection method: clinical testing. Allele origin: germline.

GeneDx
Classification: Uncertain significance. Last evaluated: 2022-02-22. Review status: criteria provided, single submitter. Criteria: GeneDx Variant Classification Process June 2021. Collection method: clinical testing. Allele origin: germline. Affected: yes.
Comment: In silico analysis supports that this missense variant does not alter protein structure/function; Has not been previously published as pathogenic or benign to our knowledge

NM_015046.7(SETX):c.146A>G (p.Lys49Arg)

Gene: SETX (senataxin; minus strand). Cytogenetic location: 9q34.13.
Variant type: single nucleotide variant.
Coding change: c.146A>G on transcript NM_015046.7 (MANE Select); coding-DNA position 146, A replaced by G.
Protein change: p.Lys49Arg; replaces lysine 49 with arginine.
Molecular consequence: missense variant.
Genome position (GRCh38, 1-based): chr9:132,349,283, T>C on the plus strand (A>G on the coding strand, the complement: SETX is on the minus strand). VCF-style: chr9-132349283-T-C. GRCh37 (hg19) VCF-style: chr9-135224670-T-C.
Other names: c.146A>G, p.Lys49Arg (NM_001351527.2, NM_001351528.2); short protein forms K49R.
Identifiers: ClinVar variation 994481 (VCV000994481.9), dbSNP rs142551293, ClinGen allele CA5298125.